The following is an entry in ClinVar:

NM_019032.6(ADAMTSL4):c.1861+1G>C

Genes: ADAMTSL4 (ADAMTS like 4; plus strand), ADAMTSL4-AS2 (ADAMTSL4 antisense RNA 2; minus strand). Cytogenetic location: 1q21.2.
Variant type: single nucleotide variant.
Coding change: c.1861+1G>C on transcript NM_019032.6 (MANE Select); the canonical splice donor site of the intron after coding-DNA position 1861, G replaced by C.
Molecular consequence: splice donor variant. On other transcripts: intron variant (1).
Genome position (GRCh38, 1-based): chr1:150,557,051, G>C. VCF-style: chr1-150557051-G-C. GRCh37 (hg19) VCF-style: chr1-150529527-G-C.
Other names: c.1930+1G>C (NM_001288608.2); c.1856+75G>C (NM_001288607.2); c.1861+1G>C (NM_001378596.1, NM_025008.5).
Identifiers: ClinVar variation 4735269 (VCV004735269.1).

ClinVar aggregate classification (germline): Likely pathogenic (1 of 4 stars; one submission).

Submission:

Labcorp Genetics (formerly Invitae), Labcorp
Classification: Likely pathogenic. Last evaluated: 2026-01-17. Review status: criteria provided, single submitter. Criteria: Invitae Variant Classification Sherloc (09022015). Collection method: clinical testing. Allele origin: germline.
Comment: This sequence change affects a donor splice site in intron 11 of the ADAMTSL4 gene. It is expected to disrupt RNA splicing. Variants that disrupt the donor or acceptor splice site typically lead to a loss of protein function (PMID: 16199547), and loss-of-function variants in ADAMTSL4 are known to be pathogenic (PMID: 20564469, 28642162). This variant is not present in population databases (gnomAD no frequency). This variant has not been reported in the literature in individuals affected with ADAMTSL4-related conditions. Algorithms developed to predict the effect of sequence changes on RNA splicing suggest that this variant may disrupt the consensus splice site. In summary, the currently available evidence indicates that the variant is pathogenic, but additional data are needed to prove that conclusively. Therefore, this variant has been classified as Likely Pathogenic.

Literature cited by the submitters: PubMed 16199547; PubMed 20564469; PubMed 28642162.